The following is an entry in ClinVar:

ClinVar aggregate classification (germline): Likely benign. Review status: criteria provided, multiple submitters, no conflicts (2 of 4 stars). 6 submissions from 6 submitters: Likely benign (6). Last evaluated 2024-10-08.

Conditions:
Cardiac arrhythmia. Also called: Cardiac rhythm disease; Arrhythmia. Identifiers: MedGen C0003811, MONDO:0007263, HP:0011675.
Cardiovascular phenotype. Identifiers: MedGen CN230736.
Long QT syndrome (LQTS). Identifiers: MedGen C0023976, MeSH D008133, MONDO:0002442. Disease mechanism: loss of function. Inheritance: Various modes of inheritance.

Allele frequency attached by ClinVar (database versions not stated): TOPMed below 0.00001; gnomAD 0.00001 and 0.00002; ExAC 0.00005.
gnomAD v4.1: 29 of 1,613,710 alleles (0.0018%); highest among the groups gnomAD compares: South Asian, 0.02%; no homozygotes.

Submissions (6):

Blueprint Genetics
Classification: Likely benign. Last evaluated: 2024-10-08. Review status: criteria provided, single submitter. Criteria: ACMG Guidelines, 2015. Collection method: clinical testing. Allele origin: germline.

Labcorp Genetics (formerly Invitae), Labcorp
Classification: Likely benign for Long QT syndrome. Last evaluated: 2024-06-30. Review status: criteria provided, single submitter. Criteria: Invitae Variant Classification Sherloc (09022015). Collection method: clinical testing. Allele origin: germline.

Ambry Genetics
Classification: Likely benign for Cardiovascular phenotype. Last evaluated: 2024-01-13. Review status: criteria provided, single submitter. Criteria: Ambry Variant Classification Scheme 2023. Collection method: clinical testing. Allele origin: germline.

All of Us Research Program, National Institutes of Health
Classification: Likely benign for Long QT syndrome. Last evaluated: 2023-05-08. Review status: criteria provided, single submitter. Criteria: ACMG Guidelines, 2015. Collection method: clinical testing. Allele origin: germline. Inheritance: Autosomal dominant inheritance. Observed: 1 variant allele, 1 heterozygote.
Comment: This study involves interpretation of variants in research participants for the purpose of population health screening. Participant phenotype was not available at the time of variant classification. Additional details can be found in publication PMID: 35346344, PMCID: PMC8962531

GeneDx
Classification: Likely benign. Last evaluated: 2021-03-19. Review status: criteria provided, single submitter. Criteria: GeneDx Variant Classification Process June 2021. Collection method: clinical testing. Allele origin: germline. Affected: yes.

Color Diagnostics, LLC DBA Color Health
Classification: Likely benign for Arrhythmia. Last evaluated: 2019-06-30. Review status: criteria provided, single submitter. Criteria: ACMG Guidelines, 2015. Collection method: clinical testing. Allele origin: germline.

NM_000218.3(KCNQ1):c.861G>A (p.Ala287=)

Gene: KCNQ1 (potassium voltage-gated channel subfamily Q member 1; plus strand). Cytogenetic location: 11p15.5.
Variant type: single nucleotide variant.
Coding change: c.861G>A on transcript NM_000218.3 (MANE Select); coding-DNA position 861, G replaced by A.
Protein change: p.Ala287=; no amino-acid change (alanine 287 retained).
Molecular consequence: synonymous variant. On other transcripts: intron variant (1).
Genome position (GRCh38, 1-based): chr11:2,572,926, G>A. VCF-style: chr11-2572926-G-A. GRCh37 (hg19) VCF-style: chr11-2594156-G-A.
Other names: c.861G>A, p.Ala287= (NM_001406836.1); c.591G>A, p.Ala197= (NM_001406837.1); c.480G>A, p.Ala160= (NM_181798.2); c.478-10509G>A (NM_001406838.1).
Identifiers: ClinVar variation 920703 (VCV000920703.17), dbSNP rs764403483, ClinGen allele CA041034.